The following is an entry in ClinVar:

NC_000010.10:g.(?_101542602)_(101611388_?)del

Gene: ABCC2 (ATP binding cassette subfamily C member 2; plus strand). Cytogenetic location: 10q24.2.
Variant type: Deletion.
Identifiers: ClinVar variation 3244936 (VCV003244936.1).

ClinVar aggregate classification (germline): Pathogenic (1 of 4 stars; one submission).

Submission:

Labcorp Genetics (formerly Invitae), Labcorp
Classification: Pathogenic. Last evaluated: 2024-01-11. Review status: criteria provided, single submitter. Criteria: Invitae Variant Classification Sherloc (09022015). Collection method: clinical testing. Allele origin: unknown.
Comment: A gross deletion of the genomic region encompassing the full coding sequence of the ABCC2 gene has been identified. Loss-of-function variants in ABCC2 are known to be pathogenic (PMID: 9185779, 16549534, 16952291). The boundaries of this event are unknown as they extend beyond the assayed region for this gene and therefore may encompass additional genes. This variant has not been reported in the literature in individuals affected with ABCC2-related conditions. For these reasons, this variant has been classified as Pathogenic.

Literature cited by the submitters: PubMed 9185779; PubMed 16549534; PubMed 16952291.